The following is an entry in ClinVar:

ClinVar aggregate classification (germline): Likely pathogenic (1 of 4 stars; one submission).

Submission:

Labcorp Genetics (formerly Invitae), Labcorp
Classification: Likely pathogenic. Last evaluated: 2023-08-01. Review status: criteria provided, single submitter. Criteria: Invitae Variant Classification Sherloc (09022015). Collection method: clinical testing. Allele origin: germline.
Comment: Algorithms developed to predict the effect of sequence changes on RNA splicing suggest that this variant may disrupt the consensus splice site. In summary, the currently available evidence indicates that the variant is pathogenic, but additional data are needed to prove that conclusively. Therefore, this variant has been classified as Likely Pathogenic. This variant has not been reported in the literature in individuals affected with SLC39A4-related conditions. This variant is not present in population databases (gnomAD no frequency). This variant results in the deletion of part of exon 8 (c.1287+37_1359del) of the SLC39A4 gene. It is expected to disrupt RNA splicing. Variants that disrupt the donor or acceptor splice site typically lead to a loss of protein function (PMID: 16199547), and loss-of-function variants in SLC39A4 are known to be pathogenic (PMID: 12955721).

Literature cited by the submitters: PubMed 16199547; PubMed 12955721.

NM_130849.4(SLC39A4):c.1287+37_1359del

Gene: SLC39A4 (solute carrier family 39 member 4; minus strand). Cytogenetic location: 8q24.3.
Variant type: Deletion.
Coding change: c.1287+37_1359del on transcript NM_130849.4 (MANE Select); 37 bases into the intron after coding-DNA position 1287 through coding-DNA position 1359, 112 bases deleted.
Molecular consequence: splice acceptor variant.
Genome position (GRCh38, 1-based): chr8:144,413,810-144,413,921, 112 bases deleted. GRCh37 (hg19): chr8:145,639,195-145,639,306.
Other names: c.1005+37_1077del (NM_001374839.1); c.1212+37_1284del (NM_017767.3).
Identifiers: ClinVar variation 2749142 (VCV002749142.3), dbSNP rs2537429817, ClinGen allele CA2697550209.